The following is an entry in ClinVar:

ClinVar aggregate classification (germline): Uncertain significance. Review status: criteria provided, multiple submitters, no conflicts (2 of 4 stars). 2 submissions from 2 submitters: Uncertain significance (2). Last evaluated 2025-03-14.

Conditions:
Hereditary pancreatitis (PCTT). Also called: Hereditary chronic pancreatitis; PRSS1-Related Hereditary Pancreatitis. Identifiers: Orphanet 676, MedGen C0238339, MONDO:0008185, OMIM 167800.

Allele frequency attached by ClinVar (database versions not stated): gnomAD 0.00002 and 0.00003; gnomAD exomes 0.00002; TOPMed 0.00002.
gnomAD v4.1: 17 of 1,614,074 alleles (0.0011%); highest among the groups gnomAD compares: Admixed American, 0.015%; no homozygotes.

Submissions (2):

Labcorp Genetics (formerly Invitae), Labcorp
Classification: Uncertain significance. Last evaluated: 2025-03-14. Review status: criteria provided, single submitter. Criteria: Invitae Variant Classification Sherloc (09022015). Collection method: clinical testing. Allele origin: germline.
Comment: This sequence change replaces serine, which is neutral and polar, with leucine, which is neutral and non-polar, at codon 272 of the CPA1 protein (p.Ser272Leu). This variant is present in population databases (no rsID available, gnomAD 0.01%). This variant has not been reported in the literature in individuals affected with CPA1-related conditions. ClinVar contains an entry for this variant (Variation ID: 1445068). Invitae Evidence Modeling of protein sequence and biophysical properties (such as structural, functional, and spatial information, amino acid conservation, physicochemical variation, residue mobility, and thermodynamic stability) indicates that this missense variant is not expected to disrupt CPA1 protein function with a negative predictive value of 80%. In summary, the available evidence is currently insufficient to determine the role of this variant in disease. Therefore, it has been classified as a Variant of Uncertain Significance.

Ambry Genetics
Classification: Uncertain significance for Hereditary pancreatitis. Last evaluated: 2024-02-29. Review status: criteria provided, single submitter. Criteria: Ambry Variant Classification Scheme 2023. Collection method: clinical testing. Allele origin: germline.
Comment: The p.S272L variant (also known as c.815C>T), located in coding exon 8 of the CPA1 gene, results from a C to T substitution at nucleotide position 815. The serine at codon 272 is replaced by leucine, an amino acid with dissimilar properties. This amino acid position is not well conserved in available vertebrate species. In addition, the in silico prediction for this alteration is inconclusive. Since supporting evidence is limited at this time, the clinical significance of this alteration remains unclear.

NM_001868.4(CPA1):c.815C>T (p.Ser272Leu)

Gene: CPA1 (carboxypeptidase A1; plus strand). Cytogenetic location: 7q32.2.
Variant type: single nucleotide variant.
Coding change: c.815C>T on transcript NM_001868.4 (MANE Select); coding-DNA position 815, C replaced by T.
Protein change: p.Ser272Leu; replaces serine 272 with leucine.
Molecular consequence: missense variant.
Genome position (GRCh38, 1-based): chr7:130,385,173, C>T. VCF-style: chr7-130385173-C-T. GRCh37 (hg19) VCF-style: chr7-130025014-C-T.
Other names: short protein forms S272L.
Identifiers: ClinVar variation 1445068 (VCV001445068.8), dbSNP rs911586927, ClinGen allele CA166891112.
Genomic context (GRCh38, chr7:130,385,173, plus strand): 5'-AGCCACACCGCCATGCCCTCTGTCCCCCCACAGTGTCCGGAGCCAGCAGTAACCCCTGCT[C>T]GGAGACTTACCACGGCAAGTTTGCCAATTCCGAAGTGGAGGTCAAGTCCATTGTAGACTT-3'
Protein context (NP_001859.1, residues 262-282): GLSGASSNPC[Ser272Leu]ETYHGKFANS